The following is an entry in ClinVar:

NM_020297.4(ABCC9):c.3590G>T (p.Arg1197Leu)

Genes: ABCC9 (ATP binding cassette subfamily C member 9; minus strand), KCNJ8-AS1 (KCNJ8 antisense RNA 1; plus strand). Cytogenetic location: 12p12.1.
Variant type: single nucleotide variant.
Coding change: c.3590G>T on transcript NM_020297.4 (MANE Select); coding-DNA position 3590, G replaced by T.
Protein change: p.Arg1197Leu; replaces arginine 1197 with leucine.
Molecular consequence: missense variant.
Genome position (GRCh38, 1-based): chr12:21,829,037, C>A on the plus strand (G>T on the coding strand, the complement: ABCC9 is on the minus strand). VCF-style: chr12-21829037-C-A. GRCh37 (hg19) VCF-style: chr12-21981971-C-A.
Other names: p.Arg1197Leu; c.3590G>T (NM_005691.3); c.3590G>T, p.Arg1197Leu (NM_001377273.1, NM_005691.4); c.2723G>T, p.Arg908Leu (NM_001377274.1); short protein forms R908L, R1197L.
Identifiers: ClinVar variation 2142152 (VCV002142152.5), dbSNP rs755156050, ClinGen allele CA384140315.

ClinVar aggregate classification (germline): Uncertain significance. Review status: criteria provided, multiple submitters, no conflicts (2 of 4 stars). 2 submissions from 2 submitters: Uncertain significance (2). Last evaluated 2024-11-11.

Conditions:
Dilated cardiomyopathy 1O (CMD1O). Also called: CARDIOMYOPATHY, DILATED, WITH VENTRICULAR TACHYCARDIA. Identifiers: Orphanet 154, MedGen C1837839, MONDO:0012062, OMIM 608569.

gnomAD v4.1: 3 of 1,613,734 alleles (0.00019%); highest among the groups gnomAD compares: African/African-American, 0.0027%; no homozygotes.

Submissions (2):

Mayo Clinic Laboratories, Mayo Clinic
Classification: Uncertain significance. Last evaluated: 2024-11-11. Review status: criteria provided, single submitter. Criteria: ACMG Guidelines, 2015. Collection method: clinical testing. Allele origin: germline. Observed: 1 variant allele.
Comment: BP5, PM2_supporting

Labcorp Genetics (formerly Invitae), Labcorp
Classification: Uncertain significance for Dilated cardiomyopathy 1O. Last evaluated: 2022-04-18. Review status: criteria provided, single submitter. Criteria: Invitae Variant Classification Sherloc (09022015). Collection method: clinical testing. Allele origin: germline.
Comment: This sequence change replaces arginine, which is basic and polar, with leucine, which is neutral and non-polar, at codon 1197 of the ABCC9 protein (p.Arg1197Leu). This variant is not present in population databases (gnomAD no frequency). In summary, the available evidence is currently insufficient to determine the role of this variant in disease. Therefore, it has been classified as a Variant of Uncertain Significance. Algorithms developed to predict the effect of missense changes on protein structure and function (SIFT, PolyPhen-2, Align-GVGD) all suggest that this variant is likely to be tolerated. This variant has not been reported in the literature in individuals affected with ABCC9-related conditions.